The following is an entry in ClinVar:

ClinVar aggregate classification (germline): Likely benign. Review status: criteria provided, single submitter (1 of 4 stars). 2 submissions from 2 submitters: Likely benign (1). 1 of the submissions does not count toward it. Last evaluated 2025-11-05.

Conditions:
HSD3B2-related disorder. Also called: HSD3B2-related condition.

Allele frequency attached by ClinVar (database versions not stated): gnomAD exomes 0.00004; ExAC 0.00005; ESP Exome Variant Server 0.00008; 1000 Genomes Project 0.00060; 1000 Genomes Project 30x 0.00109.

Submissions (2):

Labcorp Genetics (formerly Invitae), Labcorp
Classification: Likely benign. Last evaluated: 2025-11-05. Review status: criteria provided, single submitter. Criteria: Invitae Variant Classification Sherloc (09022015). Collection method: clinical testing. Allele origin: germline.

PreventionGenetics, part of Exact Sciences
Classification: Likely benign for HSD3B2-related condition. Last evaluated: 2023-04-21. Review status: no assertion criteria provided. Collection method: clinical testing. Allele origin: germline. Not counted in ClinVar's aggregate classification.
Comment: This variant is classified as likely benign based on ACMG/AMP sequence variant interpretation guidelines (Richards et al. 2015 PMID: 25741868, with internal and published modifications).

NM_000198.4(HSD3B2):c.417C>T (p.Asn139=)

Gene: HSD3B2 (hydroxy-delta-5-steroid dehydrogenase, 3 beta- and steroid delta-isomerase 2; plus strand). Cytogenetic location: 1p12.
Variant type: single nucleotide variant.
Coding change: c.417C>T on transcript NM_000198.4 (MANE Select); coding-DNA position 417, C replaced by T.
Protein change: p.Asn139=; no amino-acid change (asparagine 139 retained).
Molecular consequence: synonymous variant.
Genome position (GRCh38, 1-based): chr1:119,421,918, C>T. VCF-style: chr1-119421918-C-T. GRCh37 (hg19) VCF-style: chr1-119964541-C-T.
Other names: c.417C>T (NM_000198.3); c.417C>T, p.Asn139= (NM_001166120.2).
Identifiers: ClinVar variation 1117119 (VCV001117119.11), dbSNP rs369303483, ClinGen allele CA1035968.